The following is an entry in ClinVar:

NM_004813.4(PEX16):c.635C>G (p.Pro212Arg)

Gene: PEX16 (peroxisomal biogenesis factor 16; minus strand). Cytogenetic location: 11p11.2.
Variant type: single nucleotide variant.
Coding change: c.635C>G on transcript NM_004813.4 (MANE Select); coding-DNA position 635, C replaced by G.
Protein change: p.Pro212Arg; replaces proline 212 with arginine.
Molecular consequence: missense variant.
Genome position (GRCh38, 1-based): chr11:45,914,375, G>C on the plus strand (C>G on the coding strand, the complement: PEX16 is on the minus strand). VCF-style: chr11-45914375-G-C. GRCh37 (hg19) VCF-style: chr11-45935926-G-C.
Other names: c.635C>G, p.Pro212Arg (NM_057174.3); short protein forms P212R.
Identifiers: ClinVar variation 793195 (VCV000793195.15), dbSNP rs201846257, ClinGen allele CA5959891.
Genomic context (GRCh38, chr11:45,914,375, plus strand): 5'-CAGTGCAGCAGCGGCCGGGCAATGTACAAAAACTCTGCGATGGTCTCCTGCAGCCCCAGG[G>C]GGGTGGGGGTCGCACTCAGCTCCTCGTGATGCTGCTGCTGCCGTCCCTCCCGCTGCTGGG-3'
Protein context (NP_004804.2, residues 202-222): HHEELSATPT[Pro212Arg]LGLQETIAEF

ClinVar aggregate classification (germline): Benign/Likely benign. Review status: criteria provided, multiple submitters, no conflicts (2 of 4 stars). 4 submissions from 4 submitters: Benign (1); Likely benign (1). 2 of the submissions do not count toward it. Last evaluated 2025-12-15.

Conditions:
PEX16-related disorder. Also called: PEX16-related condition.
Peroxisome biogenesis disorder. Identifiers: Orphanet 79189, MedGen C1832200, MONDO:0019234. Disease mechanism: loss of function.
Microcephaly. Also called: Microcephaly (disease). Identifiers: MedGen C4551563, MONDO:0001149, HP:0000252.

Allele frequency attached by ClinVar (database versions not stated): gnomAD 0.00011 and 0.00014; TOPMed 0.00025; gnomAD exomes 0.00030; ExAC 0.00031; 1000 Genomes Project 30x 0.00047; 1000 Genomes Project 0.00060.
gnomAD v4.1: 160 of 1,610,894 alleles (0.0099%); highest among the groups gnomAD compares: East Asian, 0.26%; 1 homozygote.

Submissions (4):

Labcorp Genetics (formerly Invitae), Labcorp
Classification: Likely benign for Peroxisome biogenesis disorder. Last evaluated: 2025-12-15. Review status: criteria provided, single submitter. Criteria: Invitae Variant Classification Sherloc (09022015). Collection method: clinical testing. Allele origin: germline.

Blueprint Genetics
Classification: Benign. Last evaluated: 2024-07-16. Review status: criteria provided, single submitter. Criteria: ACMG Guidelines, 2015. Collection method: clinical testing. Allele origin: germline.

PreventionGenetics, part of Exact Sciences
Classification: Likely benign for PEX16-related condition. Last evaluated: 2024-06-18. Review status: no assertion criteria provided. Collection method: clinical testing. Allele origin: germline. Not counted in ClinVar's aggregate classification.
Comment: This variant is classified as likely benign based on ACMG/AMP sequence variant interpretation guidelines (Richards et al. 2015 PMID: 25741868, with internal and published modifications).

Department of Pediatrics, Samsung Medical Center, Samsung Medical Center
Classification: Uncertain significance for Microcephaly. Review status: no assertion criteria provided. Criteria: ACMG Guidelines, 2015. Collection method: research. Allele origin: germline. Affected: yes. Not counted in ClinVar's aggregate classification.